The following is an entry in ClinVar:

NM_000059.4(BRCA2):c.10116T>A (p.Ala3372=)

Gene: BRCA2 (BRCA2 DNA repair associated; plus strand). Cytogenetic location: 13q13.1.
Variant type: single nucleotide variant.
Coding change: c.10116T>A on transcript NM_000059.4 (MANE Select); coding-DNA position 10116, T replaced by A.
Protein change: p.Ala3372=; no amino-acid change (alanine 3372 retained).
Molecular consequence: synonymous variant.
Genome position (GRCh38, 1-based): chr13:32,398,629, T>A. VCF-style: chr13-32398629-T-A. GRCh37 (hg19) VCF-style: chr13-32972766-T-A.
Identifiers: ClinVar variation 427381 (VCV000427381.3), dbSNP rs786202020, ClinGen allele CA483440524.

ClinVar aggregate classification (germline): Likely benign (3 of 4 stars; one submission).

Conditions:
Breast-ovarian cancer, familial, susceptibility to, 2 (BROVCA2). Also called: BRCA2 Hereditary Breast and Ovarian Cancer. Identifiers: Orphanet 145, MedGen C2675520, MONDO:0012933, OMIM 612555. Disease mechanism: loss of function.

Submission:

Evidence-based Network for the Interpretation of Germline Mutant Alleles (ENIGMA)
Classification: Likely benign for Breast-ovarian cancer, familial, susceptibility to, 2. Last evaluated: 2017-06-29. Review status: reviewed by expert panel. Criteria: ENIGMA BRCA1/2 Classification Criteria (2017-06-29). Collection method: curation. Allele origin: germline.
Comment: Synonymous substitution variant, with low bioinformatic likelihood to result in a splicing aberration (Splicing prior probability 0.02).